The following is an entry in ClinVar:

ClinVar aggregate classification (germline): Uncertain significance (1 of 4 stars; one submission).

Conditions:
Combined oxidative phosphorylation defect type 27. Also called: Combined oxidative phosphorylation deficiency 27. Identifiers: Orphanet 477774, MedGen C5567608, MONDO:0014728, OMIM 616672.

gnomAD v4.1: 1 of 1,613,786 alleles (0.000062%); highest among the groups gnomAD compares: Non-Finnish European, 0.000085%; no homozygotes.

Submission:

Labcorp Genetics (formerly Invitae), Labcorp
Classification: Uncertain significance for Combined oxidative phosphorylation defect type 27. Last evaluated: 2022-01-13. Review status: criteria provided, single submitter. Criteria: Invitae Variant Classification Sherloc (09022015). Collection method: clinical testing. Allele origin: germline.
Comment: This sequence change replaces threonine, which is neutral and polar, with isoleucine, which is neutral and non-polar, at codon 546 of the CARS2 protein (p.Thr546Ile). This variant is present in population databases (no rsID available, gnomAD 0.0009%). This variant has not been reported in the literature in individuals affected with CARS2-related conditions. Algorithms developed to predict the effect of missense changes on protein structure and function output the following: SIFT: "Tolerated"; PolyPhen-2: "Benign"; Align-GVGD: "Class C0". The isoleucine amino acid residue is found in multiple mammalian species, which suggests that this missense change does not adversely affect protein function. In summary, the available evidence is currently insufficient to determine the role of this variant in disease. Therefore, it has been classified as a Variant of Uncertain Significance.

NM_024537.4(CARS2):c.1637C>T (p.Thr546Ile)

Gene: CARS2 (cysteinyl-tRNA synthetase 2, mitochondrial; minus strand). Cytogenetic location: 13q34.
Variant type: single nucleotide variant.
Coding change: c.1637C>T on transcript NM_024537.4 (MANE Select); coding-DNA position 1637, C replaced by T.
Protein change: p.Thr546Ile; replaces threonine 546 with isoleucine.
Molecular consequence: missense variant. On other transcripts: non-coding transcript variant (2).
Genome position (GRCh38, 1-based): chr13:110,641,595, G>A on the plus strand (C>T on the coding strand, the complement: CARS2 is on the minus strand). VCF-style: chr13-110641595-G-A. GRCh37 (hg19) VCF-style: chr13-111293942-G-A.
Other names: c.851C>T, p.Thr284Ile (NM_001352252.2); short protein forms T284I, T546I.
Identifiers: ClinVar variation 2082338 (VCV002082338.4), dbSNP rs1449938840, ClinGen allele CA388739149.
Genomic context (GRCh38, chr13:110,641,595, plus strand): 5'-CCTCAGCCCGCTGATTTTTGGTCTTTTGTCCTTTGATCCAGCAGTTCCCACGTGGATGTT[G>A]TACTGCTTCTGTCCTGGAGAAGAAGAGTGAGGTCCAACTCTGAGCAGACACCACGTCATG-3'
Protein context (NP_078813.1, residues 536-556): HGINIKDRSS[Thr546Ile]TSTWELLDQR